The following is an entry in ClinVar:

ClinVar aggregate classification (germline): Uncertain significance. Review status: criteria provided, multiple submitters, no conflicts (2 of 4 stars). 3 submissions from 3 submitters: Uncertain significance (2). 1 of the submissions does not count toward it. Last evaluated 2025-04-08.

Conditions:
NTRK2-related disorder. Also called: NTRK2-related condition.
Inborn genetic diseases. Identifiers: MedGen C0950123, MeSH D030342.

Allele frequency attached by ClinVar (database versions not stated): gnomAD 0.00003; ExAC 0.00004; gnomAD exomes 0.00004; TOPMed 0.00005; ESP Exome Variant Server 0.00015.
gnomAD v4.1: 61 of 1,613,156 alleles (0.0038%); highest among the groups gnomAD compares: Admixed American, 0.0083%; no homozygotes.

Submissions (3):

Labcorp Genetics (formerly Invitae), Labcorp
Classification: Uncertain significance. Last evaluated: 2025-04-08. Review status: criteria provided, single submitter. Criteria: Invitae Variant Classification Sherloc (09022015). Collection method: clinical testing. Allele origin: germline.
Comment: This sequence change replaces glycine, which is neutral and non-polar, with serine, which is neutral and polar, at codon 427 of the NTRK2 protein (p.Gly427Ser). This variant is present in population databases (rs142393662, gnomAD 0.01%). This variant has not been reported in the literature in individuals affected with NTRK2-related conditions. ClinVar contains an entry for this variant (Variation ID: 1411757). Invitae Evidence Modeling of protein sequence and biophysical properties (such as structural, functional, and spatial information, amino acid conservation, physicochemical variation, residue mobility, and thermodynamic stability) indicates that this missense variant is not expected to disrupt NTRK2 protein function with a negative predictive value of 80%. In summary, the available evidence is currently insufficient to determine the role of this variant in disease. Therefore, it has been classified as a Variant of Uncertain Significance.

Ambry Genetics
Classification: Uncertain significance for Inborn genetic diseases. Last evaluated: 2022-08-09. Review status: criteria provided, single submitter. Criteria: Ambry Variant Classification Scheme 2023. Collection method: clinical testing. Allele origin: germline.

PreventionGenetics, part of Exact Sciences
Classification: Uncertain significance for NTRK2-related condition. Last evaluated: 2024-09-03. Review status: no assertion criteria provided. Collection method: clinical testing. Allele origin: germline. Not counted in ClinVar's aggregate classification.
Comment: The NTRK2 c.1279G>A variant is predicted to result in the amino acid substitution p.Gly427Ser. To our knowledge, this variant has not been reported in the literature. This variant is reported in 0.011% of alleles in individuals of East Asian descent in gnomAD, which may be too frequent to be a primary cause of disease. Although we suspect that this variant may be benign, at this time, the clinical significance of this variant is uncertain due to the absence of conclusive functional and genetic evidence.

NM_006180.6(NTRK2):c.1279G>A (p.Gly427Ser)

Gene: NTRK2 (neurotrophic receptor tyrosine kinase 2; plus strand). Cytogenetic location: 9q21.33.
Variant type: single nucleotide variant.
Coding change: c.1279G>A on transcript NM_006180.6 (MANE Select); coding-DNA position 1279, G replaced by A.
Protein change: p.Gly427Ser; replaces glycine 427 with serine.
Molecular consequence: missense variant.
Genome position (GRCh38, 1-based): chr9:84,745,056, G>A. VCF-style: chr9-84745056-G-A. GRCh37 (hg19) VCF-style: chr9-87359971-G-A.
Other names: c.1279G>A, p.Gly427Ser (NM_001007097.3, NM_001018064.3, NM_001018065.2 and 15 more transcripts); c.1240G>A, p.Gly414Ser (NM_001291937.2, NM_001369546.1); c.1243G>A, p.Gly415Ser (NM_001369534.1); c.811G>A, p.Gly271Ser (NM_001369535.1, NM_001369536.1, NM_001369550.1 and 2 more transcripts); c.1279G>A (NM_006180.3, NM_006180.4); short protein forms G271S, G415S, G427S, G414S.
Identifiers: ClinVar variation 1411757 (VCV001411757.8), dbSNP rs142393662, ClinGen allele CA5105691.